The following is an entry in ClinVar:

ClinVar aggregate classification (germline): Uncertain significance. Review status: criteria provided, multiple submitters, no conflicts (2 of 4 stars). 2 submissions from 2 submitters: Uncertain significance (2). Last evaluated 2022-11-29.

Conditions:
Congenital myasthenic syndrome 9. Also called: Myasthenic syndrome, congenital, 9, associated with acetylcholine receptor deficiency. Identifiers: Orphanet 590, MedGen C4225368, MONDO:0014587, OMIM 616325.
Fetal akinesia deformation sequence 1 (FADS1). Also called: Pena-Shokeir syndrome type I; Fetal akinesia sequence. Identifiers: Orphanet 994, MedGen C1276035, MONDO:0100101, OMIM 208150, HP:0001989.

Allele frequency attached by ClinVar (database versions not stated): TOPMed 0.00002.
gnomAD v4.1: 6 of 1,613,180 alleles (0.00037%); highest among the groups gnomAD compares: Non-Finnish European, 0.00051%; no homozygotes.

Submissions (2):

Labcorp Genetics (formerly Invitae), Labcorp
Classification: Uncertain significance for Congenital myasthenic syndrome 9; Fetal akinesia deformation sequence 1. Last evaluated: 2022-11-29. Review status: criteria provided, single submitter. Criteria: Invitae Variant Classification Sherloc (09022015). Collection method: clinical testing. Allele origin: germline.
Comment: This sequence change replaces proline, which is neutral and non-polar, with arginine, which is basic and polar, at codon 558 of the MUSK protein (p.Pro558Arg). In summary, the available evidence is currently insufficient to determine the role of this variant in disease. Therefore, it has been classified as a Variant of Uncertain Significance. Advanced modeling of protein sequence and biophysical properties (such as structural, functional, and spatial information, amino acid conservation, physicochemical variation, residue mobility, and thermodynamic stability) performed at Invitae indicates that this missense variant is not expected to disrupt MUSK protein function. This variant has not been reported in the literature in individuals affected with MUSK-related conditions. This variant is present in population databases (no rsID available, gnomAD 0.002%). ClinVar contains an entry for this variant (Variation ID: 476133).

Revvity Omics, Revvity
Classification: Uncertain significance. Last evaluated: 2019-06-26. Review status: criteria provided, single submitter. Criteria: ACMG Guidelines, 2015. Collection method: clinical testing. Allele origin: germline.

NM_005592.4(MUSK):c.1673C>G (p.Pro558Arg)

Gene: MUSK (muscle associated receptor tyrosine kinase; plus strand). Cytogenetic location: 9q31.3.
Variant type: single nucleotide variant.
Coding change: c.1673C>G on transcript NM_005592.4 (MANE Select); coding-DNA position 1673, C replaced by G.
Protein change: p.Pro558Arg; replaces proline 558 with arginine.
Molecular consequence: missense variant.
Genome position (GRCh38, 1-based): chr9:110,785,613, C>G. VCF-style: chr9-110785613-C-G. GRCh37 (hg19) VCF-style: chr9-113547893-C-G.
Other names: c.1415C>G, p.Pro472Arg (NM_001166280.2); c.1385C>G, p.Pro462Arg (NM_001166281.2); c.413C>G, p.Pro138Arg (NM_001369398.1); short protein forms P558R, P462R, P472R, P138R.
Identifiers: ClinVar variation 476133 (VCV000476133.8), dbSNP rs369745938, ClinGen allele CA198357742.